The following is an entry in ClinVar:

ClinVar aggregate classification (germline): Pathogenic. Review status: criteria provided, multiple submitters, no conflicts (2 of 4 stars). 2 submissions from 2 submitters: Pathogenic (2). Last evaluated 2025-02-22.

Conditions:
Duchenne muscular dystrophy (DMD). Also called: Duchenne Muscular Dystrophy (DMD); MUSCULAR DYSTROPHY, PSEUDOHYPERTROPHIC PROGRESSIVE, DUCHENNE TYPE. Identifiers: Orphanet 98896, MedGen C0013264, MONDO:0010679, OMIM 310200.

Submissions (2):

Labcorp Genetics (formerly Invitae), Labcorp
Classification: Pathogenic for Duchenne muscular dystrophy. Last evaluated: 2025-02-22. Review status: criteria provided, single submitter. Criteria: Invitae Variant Classification Sherloc (09022015). Collection method: clinical testing. Allele origin: germline.
Comment: This sequence change creates a premature translational stop signal (p.Thr565Asnfs*2) in the DMD gene. It is expected to result in an absent or disrupted protein product. Loss-of-function variants in DMD are known to be pathogenic (PMID: 16770791, 25007885). This variant is not present in population databases (gnomAD no frequency). This premature translational stop signal has been observed in individual(s) with Duchenne muscular dystrophy (PMID: 31069529). ClinVar contains an entry for this variant (Variation ID: 817345). For these reasons, this variant has been classified as Pathogenic.

GeneDx
Classification: Pathogenic. Last evaluated: 2018-12-07. Review status: criteria provided, single submitter. Criteria: GeneDx Variant Classification (06012015). Collection method: clinical testing. Allele origin: germline. Affected: yes.
Comment: The c.1693dupA pathogenic variant in the DMD gene causes a frameshift starting with codon Threonine 565, changes this amino acid to an Asparagine residue and creates a premature Stop codon at position 2 of the new reading frame, denoted p.Thr565AsnfsX2. This pathogenic variant is predicted to cause loss of normal protein function either through protein truncation or nonsense-mediated mRNA decay. The c.1693dupA variant is not observed in large population cohorts (Lek et al., 2016).

Literature cited by the submitters: PubMed 16770791 (cited by Labcorp Genetics (formerly Invitae), Labcorp); PubMed 25007885 (cited by Labcorp Genetics (formerly Invitae), Labcorp); PubMed 31069529 (cited by Labcorp Genetics (formerly Invitae), Labcorp).

NM_004006.3(DMD):c.1693dup (p.Thr565fs)

Gene: DMD (dystrophin; minus strand). Cytogenetic location: Xp21.1.
Variant type: Duplication.
Coding change: c.1693dup on transcript NM_004006.3 (MANE Select); coding-DNA position 1693, one base duplicated (A; older notation c.1693dupA).
Protein change: p.Thr565fs; shifts the reading frame from threonine 565.
Molecular consequence: frameshift variant.
Genome position (GRCh38, 1-based): chrX:32,573,756, T duplicated on the plus strand (A on the coding strand, the reverse complement: DMD is on the minus strand). VCF-style (leftmost placement, unchanged base first): chrX-32573755-G-GT. GRCh37 (hg19) VCF-style: chrX-32591872-G-GT.
Other names: c.1669dup, p.Thr557fs (NM_000109.4); c.1681dup, p.Thr561fs (NM_004009.3); c.1324dup, p.Thr442fs (NM_004010.3); short protein forms T565fs, T442fs, T561fs, T557fs.
Identifiers: ClinVar variation 817345 (VCV000817345.2), dbSNP rs1601810456, ClinGen allele CA915950983.
Genomic context (GRCh38, chrX:32,573,755, plus strand): 5'-TTTAATATCCCCCCGTGTCTTTTACAGCTAGTTTCTCACACATGACACACCTGTTCTTCA[G>GT]TAAGACGTTGCCATTTGAGAAGGATGTCTTGTAAAAGAACCCAGCGGTCTTCTGTCCATC-3'